The following is an entry in ClinVar:

NM_152384.3(BBS5):c.258+5G>A

Gene: BBS5 (Bardet-Biedl syndrome 5; plus strand). Cytogenetic location: 2q31.1.
Variant type: single nucleotide variant.
Coding change: c.258+5G>A on transcript NM_152384.3 (MANE Select); 5 bases into the intron after coding-DNA position 258, G replaced by A.
Molecular consequence: intron variant.
Genome position (GRCh38, 1-based): chr2:169,487,860, G>A. VCF-style: chr2-169487860-G-A. GRCh37 (hg19) VCF-style: chr2-170344370-G-A.
Identifiers: ClinVar variation 2147133 (VCV002147133.1), dbSNP rs957429667, ClinGen allele CA59930313.

ClinVar aggregate classification (germline): Uncertain significance (1 of 4 stars; one submission).

Conditions:
Bardet-Biedl syndrome (BBS). Identifiers: Orphanet 110, MedGen C0752166, MONDO:0015229.

Allele frequency attached by ClinVar (database versions not stated): gnomAD 0.00001; gnomAD exomes 0.00001; TOPMed 0.00001.
gnomAD v4.1: 15 of 1,601,002 alleles (0.00094%); highest among the groups gnomAD compares: African/African-American, 0.0013%; no homozygotes.

Submission:

Labcorp Genetics (formerly Invitae), Labcorp
Classification: Uncertain significance for Bardet-Biedl syndrome. Last evaluated: 2022-04-20. Review status: criteria provided, single submitter. Criteria: Invitae Variant Classification Sherloc (09022015). Collection method: clinical testing. Allele origin: germline.
Comment: This sequence change falls in intron 4 of the BBS5 gene. It does not directly change the encoded amino acid sequence of the BBS5 protein. It affects a nucleotide within the consensus splice site. This variant is not present in population databases (gnomAD no frequency). This variant has not been reported in the literature in individuals affected with BBS5-related conditions. Variants that disrupt the consensus splice site are a relatively common cause of aberrant splicing (PMID: 17576681, 9536098). Algorithms developed to predict the effect of sequence changes on RNA splicing suggest that this variant may disrupt the consensus splice site. In summary, the available evidence is currently insufficient to determine the role of this variant in disease. Therefore, it has been classified as a Variant of Uncertain Significance.

Literature cited by the submitters: PubMed 17576681; PubMed 9536098.